The following is an entry in ClinVar:

ClinVar aggregate classification (germline): Uncertain significance. Review status: criteria provided, multiple submitters, no conflicts (2 of 4 stars). 2 submissions from 2 submitters: Uncertain significance (2). Last evaluated 2024-12-23.

Conditions:
Cardiovascular phenotype. Identifiers: MedGen CN230736.
Alstrom syndrome (ALMS). Identifiers: Orphanet 64, MedGen C0268425, MONDO:0008763, OMIM 203800.

Allele frequency attached by ClinVar (database versions not stated): gnomAD 0.00002; TOPMed 0.00004; ExAC 0.00005; gnomAD exomes 0.00019.
gnomAD v4.1: 275 of 1,614,080 alleles (0.017%); highest among the groups gnomAD compares: Non-Finnish European, 0.023%; no homozygotes.

Submissions (2):

Labcorp Genetics (formerly Invitae), Labcorp
Classification: Uncertain significance for Alstrom syndrome. Last evaluated: 2024-12-23. Review status: criteria provided, single submitter. Criteria: Invitae Variant Classification Sherloc (09022015). Collection method: clinical testing. Allele origin: germline.
Comment: This sequence change replaces leucine, which is neutral and non-polar, with proline, which is neutral and non-polar, at codon 2925 of the ALMS1 protein (p.Leu2925Pro). This variant is present in population databases (rs199888202, gnomAD 0.009%). This variant has not been reported in the literature in individuals affected with ALMS1-related conditions. ClinVar contains an entry for this variant (Variation ID: 1764617). Experimental studies and prediction algorithms are not available or were not evaluated, and the functional significance of this variant is currently unknown. In summary, the available evidence is currently insufficient to determine the role of this variant in disease. Therefore, it has been classified as a Variant of Uncertain Significance.

Ambry Genetics
Classification: Uncertain significance for Cardiovascular phenotype. Last evaluated: 2024-03-25. Review status: criteria provided, single submitter. Criteria: Ambry Variant Classification Scheme 2023. Collection method: clinical testing. Allele origin: germline.
Comment: The p.L2925P variant (also known as c.8774T>C), located in coding exon 10 of the ALMS1 gene, results from a T to C substitution at nucleotide position 8774. The leucine at codon 2925 is replaced by proline, an amino acid with similar properties. This amino acid position is well conserved in available vertebrate species. In addition, this alteration is predicted to be deleterious by in silico analysis. Since supporting evidence is limited at this time, the clinical significance of this alteration remains unclear.

NM_001378454.1(ALMS1):c.8771T>C (p.Leu2924Pro)

Gene: ALMS1 (ALMS1 centrosome and basal body associated protein; plus strand). Cytogenetic location: 2p13.1.
Variant type: single nucleotide variant.
Coding change: c.8771T>C on transcript NM_001378454.1 (MANE Select); coding-DNA position 8771, T replaced by C.
Protein change: p.Leu2924Pro; replaces leucine 2924 with proline.
Molecular consequence: missense variant.
Genome position (GRCh38, 1-based): chr2:73,490,730, T>C. VCF-style: chr2-73490730-T-C. GRCh37 (hg19) VCF-style: chr2-73717857-T-C.
Other names: c.8774T>C, p.Leu2925Pro (NM_015120.4); short protein forms L2925P, L2924P.
Identifiers: ClinVar variation 1764617 (VCV001764617.6), dbSNP rs199888202, ClinGen allele CA1714538.